The following is an entry in ClinVar:

NM_004168.4(SDHA):c.448G>A (p.Val150Met)

Gene: SDHA (succinate dehydrogenase complex flavoprotein subunit A; plus strand). Cytogenetic location: 5p15.33.
Variant type: single nucleotide variant.
Coding change: c.448G>A on transcript NM_004168.4 (MANE Select); coding-DNA position 448, G replaced by A.
Protein change: p.Val150Met; replaces valine 150 with methionine.
Molecular consequence: missense variant. On other transcripts: intron variant (1).
Genome position (GRCh38, 1-based): chr5:225,554, G>A. VCF-style: chr5-225554-G-A. GRCh37 (hg19) VCF-style: chr5-225669-G-A.
Other names: c.448G>A, p.Val150Met (NM_001330758.2); c.313-329G>A (NM_001294332.2); short protein forms V150M.
Identifiers: ClinVar variation 486371 (VCV000486371.20), dbSNP rs542980860, ClinGen allele CA3172824.

ClinVar aggregate classification (germline): Uncertain significance. Review status: criteria provided, multiple submitters, no conflicts (2 of 4 stars). 7 submissions from 7 submitters: Uncertain significance (7). Last evaluated 2026-02-23.

Conditions:
SDHA-related disorder. Also called: SDHA-related condition; SDHA-related disorders.
Pheochromocytoma/paraganglioma syndrome 5. Also called: Paragangliomas 5; SDHA-Related Hereditary Paraganglioma-Pheochromocytoma Syndrome. Identifiers: Orphanet 29072, MedGen C3279992, MONDO:0013602, OMIM 614165.
Mitochondrial complex II deficiency, nuclear type 1. Also called: SUCCINATE CoQ REDUCTASE DEFICIENCY. Identifiers: Orphanet 3208, MedGen C5700310, MONDO:0100294, OMIM 252011.
Dilated cardiomyopathy 1GG (CMD1GG). Identifiers: Orphanet 154, MedGen C3150898, MONDO:0013339, OMIM 613642.
Leigh syndrome (NULS). Also called: Leigh Syndrome (mtDNA deletion); LEIGH SYNDROME, NUCLEAR; Leigh's syndrome; Leigh's necrotizing encephalopathy; Leigh's disease; Leigh Disease. Identifiers: Orphanet 506, MedGen C2931891, MONDO:0009723, OMIM 256000.
Hereditary cancer-predisposing syndrome. Also called: Neoplastic Syndromes, Hereditary; Hereditary Cancer Syndrome; Tumor predisposition; Hereditary neoplastic syndrome. Identifiers: Orphanet 140162, MedGen C0027672, MeSH D009386, MONDO:0015356.
Multiple endocrine neoplasia type 2A. Also called: Multiple Endocrine Neoplasia Type 2A (MEN2A); MULTIPLE ENDOCRINE NEOPLASIA, TYPE IIA; PTC SYNDROME; SIPPLE SYNDROME; MEN 2A; MEN-2A syndrome. Identifiers: Orphanet 247698, Orphanet 653, MedGen C0025268, MeSH D018813, MONDO:0008234, OMIM 171400.

Allele frequency attached by ClinVar (database versions not stated): gnomAD exomes 0.00001; TOPMed 0.00001; ExAC 0.00004; gnomAD 0.00004; 1000 Genomes Project 30x 0.00016; 1000 Genomes Project 0.00020.
gnomAD v4.1: 23 of 1,613,956 alleles (0.0014%); highest among the groups gnomAD compares: South Asian, 0.014%; no homozygotes.

Submissions (7):

PreventionGenetics, part of Exact Sciences
Classification: Uncertain significance for SDHA-related condition. Last evaluated: 2026-02-23. Review status: criteria provided, single submitter. Criteria: ACMG Guidelines, 2015. Collection method: clinical testing. Allele origin: germline.
Comment: The SDHA c.448G>A variant is predicted to result in the amino acid substitution p.Val150Met. To our knowledge, this variant has not been reported in the literature. This variant is reported in 0.0098% of alleles in individuals of South Asian descent in gnomAD and is classified as a variant of uncertain significance in ClinVar (Variation ID: 486371). At this time, the clinical significance of this variant is uncertain due to the absence of conclusive functional and genetic evidence.

Labcorp Genetics (formerly Invitae), Labcorp
Classification: Uncertain significance for Pheochromocytoma/paraganglioma syndrome 5; Mitochondrial complex II deficiency, nuclear type 1. Last evaluated: 2025-11-27. Review status: criteria provided, single submitter. Criteria: Invitae Variant Classification Sherloc (09022015). Collection method: clinical testing. Allele origin: germline.
Comment: This sequence change replaces valine, which is neutral and non-polar, with methionine, which is neutral and non-polar, at codon 150 of the SDHA protein (p.Val150Met). This variant is present in population databases (rs542980860, gnomAD 0.01%). This variant has not been reported in the literature in individuals affected with SDHA-related conditions. ClinVar contains an entry for this variant (Variation ID: 486371). Invitae Evidence Modeling of protein sequence and biophysical properties (such as structural, functional, and spatial information, amino acid conservation, physicochemical variation, residue mobility, and thermodynamic stability) indicates that this missense variant is not expected to disrupt SDHA protein function with a negative predictive value of 95%. In summary, the available evidence is currently insufficient to determine the role of this variant in disease. Therefore, it has been classified as a Variant of Uncertain Significance.

Ambry Genetics
Classification: Uncertain significance for Hereditary cancer-predisposing syndrome. Last evaluated: 2025-04-01. Review status: criteria provided, single submitter. Criteria: Ambry Variant Classification Scheme 2023. Collection method: clinical testing. Allele origin: germline.
Comment: The p.V150M variant (also known as c.448G>A), located in coding exon 4 of the SDHA gene, results from a G to A substitution at nucleotide position 448. The valine at codon 150 is replaced by methionine, an amino acid with highly similar properties. This amino acid position is highly conserved in available vertebrate species. In addition, this alteration is predicted to be deleterious by in silico analysis. Based on the available evidence, the clinical significance of this variant remains unclear.

GeneDx
Classification: Uncertain significance. Last evaluated: 2023-12-28. Review status: criteria provided, single submitter. Criteria: GeneDx Variant Classification Process June 2021. Collection method: clinical testing. Allele origin: germline. Affected: yes.
Comment: Not observed at significant frequency in large population cohorts (gnomAD); In silico analysis supports that this missense variant has a deleterious effect on protein structure/function; Has not been previously published as pathogenic or benign to our knowledge

Baylor Genetics
Classification: Uncertain significance for Dilated cardiomyopathy 1GG. Last evaluated: 2023-08-18. Review status: criteria provided, single submitter. Criteria: ACMG Guidelines, 2015. Collection method: clinical testing. Allele origin: unknown.

Laboratory of Molecular and Cytogenetics, Department of Anatomy, All India Institute of Medical Sciences (AIIMS)
Classification: Uncertain significance for Multiple endocrine neoplasia type 2A. Last evaluated: 2023-06-10. Review status: criteria provided, single submitter. Criteria: ACMG Guidelines, 2015. Collection method: clinical testing. Allele origin: germline. Affected: yes. Observed: 1 variant allele.

Fulgent Genetics
Classification: Uncertain significance for Mitochondrial complex II deficiency, nuclear type 1; Leigh syndrome; Dilated cardiomyopathy 1GG; Pheochromocytoma/paraganglioma syndrome 5. Last evaluated: 2018-10-31. Review status: criteria provided, single submitter. Criteria: ACMG Guidelines, 2015. Collection method: clinical testing. Allele origin: unknown.